The following is an entry in ClinVar:

NM_004994.3(MMP9):c.571G>C (p.Ala191Pro)

Gene: MMP9 (matrix metallopeptidase 9; plus strand). Cytogenetic location: 20q13.12.
Variant type: single nucleotide variant.
Coding change: c.571G>C on transcript NM_004994.3 (MANE Select); coding-DNA position 571, G replaced by C.
Protein change: p.Ala191Pro; replaces alanine 191 with proline.
Molecular consequence: missense variant.
Genome position (GRCh38, 1-based): chr20:46,010,972, G>C. VCF-style: chr20-46010972-G-C. GRCh37 (hg19) VCF-style: chr20-44639611-G-C.
Other names: c.571G>C (NM_004994.2); short protein forms A191P.
Identifiers: ClinVar variation 1917871 (VCV001917871.8), dbSNP rs1263490093, ClinGen allele CA409212933.

ClinVar aggregate classification (germline): Uncertain significance. Review status: criteria provided, multiple submitters, no conflicts (2 of 4 stars). 2 submissions from 2 submitters: Uncertain significance (2). Last evaluated 2025-09-28.

gnomAD v4.1: 4 of 1,614,104 alleles (0.00025%); highest among the groups gnomAD compares: Admixed American, 0.0033%; no homozygotes.

Submissions (2):

Ambry Genetics
Classification: Uncertain significance. Last evaluated: 2025-09-28. Review status: criteria provided, single submitter. Criteria: Ambry Variant Classification Scheme 2023. Collection method: clinical testing. Allele origin: germline.

Labcorp Genetics (formerly Invitae), Labcorp
Classification: Uncertain significance. Last evaluated: 2023-12-06. Review status: criteria provided, single submitter. Criteria: Invitae Variant Classification Sherloc (09022015). Collection method: clinical testing. Allele origin: germline.
Comment: This sequence change replaces alanine, which is neutral and non-polar, with proline, which is neutral and non-polar, at codon 191 of the MMP9 protein (p.Ala191Pro). This variant is present in population databases (no rsID available, gnomAD 0.006%). This variant has not been reported in the literature in individuals affected with MMP9-related conditions. ClinVar contains an entry for this variant (Variation ID: 1917871). Advanced modeling of protein sequence and biophysical properties (such as structural, functional, and spatial information, amino acid conservation, physicochemical variation, residue mobility, and thermodynamic stability) has been performed at Invitae for this missense variant, however the output from this modeling did not meet the statistical confidence thresholds required to predict the impact of this variant on MMP9 protein function. In summary, the available evidence is currently insufficient to determine the role of this variant in disease. Therefore, it has been classified as a Variant of Uncertain Significance.